The following is an entry in ClinVar:

NM_001298.3(CNGA3):c.1082T>A (p.Leu361Ter)

Gene: CNGA3 (cyclic nucleotide gated channel subunit alpha 3; plus strand). Cytogenetic location: 2q11.2.
Variant type: single nucleotide variant.
Coding change: c.1082T>A on transcript NM_001298.3 (MANE Select); coding-DNA position 1082, T replaced by A.
Protein change: p.Leu361Ter; replaces leucine 361 with a stop codon.
Molecular consequence: nonsense.
Genome position (GRCh38, 1-based): chr2:98,396,252, T>A. VCF-style: chr2-98396252-T-A. GRCh37 (hg19) VCF-style: chr2-99012715-T-A.
Other names: p.Leu361*; c.1028T>A, p.Leu343Ter (NM_001079878.2); short protein forms L361*, L343*.
Identifiers: ClinVar variation 4974782 (VCV004974782.1).

ClinVar aggregate classification (germline): Likely pathogenic (1 of 4 stars; one submission).

Conditions:
Achromatopsia. Also called: Rod monochromatism. Identifiers: Orphanet 49382, MedGen C0152200, MONDO:0018852, HP:0011516.

Submission:

Breda Genetics srl
Classification: Likely pathogenic for Achromatopsia. Last evaluated: 2021-02-24. Review status: criteria provided, single submitter. Criteria: ACMG Guidelines, 2015. Collection method: clinical testing. Allele origin: germline. Affected: no. Observed: 1 variant allele.
Comment: The variant is predicted to introduce a premature stop codon and cause loss of function through protein truncation or nonsense-mediated decay.